The following is an entry in ClinVar:

ClinVar aggregate classification (germline): Uncertain significance. Review status: criteria provided, multiple submitters, no conflicts (2 of 4 stars). 2 submissions from 2 submitters: Uncertain significance (2). Last evaluated 2024-12-03.

Conditions:
Cardiovascular phenotype. Identifiers: MedGen CN230736.
Brugada syndrome 8 (BRGDA8). Identifiers: Orphanet 130, MedGen C2751083, MONDO:0013148, OMIM 613123.

Submissions (2):

Labcorp Genetics (formerly Invitae), Labcorp
Classification: Uncertain significance for Brugada syndrome 8. Last evaluated: 2024-12-03. Review status: criteria provided, single submitter. Criteria: Invitae Variant Classification Sherloc (09022015). Collection method: clinical testing. Allele origin: germline.
Comment: This sequence change replaces glutamine, which is neutral and polar, with proline, which is neutral and non-polar, at codon 18 of the HCN4 protein (p.Gln18Pro). This variant is not present in population databases (gnomAD no frequency). This variant has not been reported in the literature in individuals affected with HCN4-related conditions. ClinVar contains an entry for this variant (Variation ID: 2264834). Invitae Evidence Modeling of protein sequence and biophysical properties (such as structural, functional, and spatial information, amino acid conservation, physicochemical variation, residue mobility, and thermodynamic stability) indicates that this missense variant is not expected to disrupt HCN4 protein function with a negative predictive value of 95%. In summary, the available evidence is currently insufficient to determine the role of this variant in disease. Therefore, it has been classified as a Variant of Uncertain Significance.

Ambry Genetics
Classification: Uncertain significance for Cardiovascular phenotype. Last evaluated: 2021-12-06. Review status: criteria provided, single submitter. Criteria: Ambry Variant Classification Scheme 2023. Collection method: clinical testing. Allele origin: germline.

NM_005477.3(HCN4):c.53A>C (p.Gln18Pro)

Gene: HCN4 (hyperpolarization activated cyclic nucleotide gated potassium channel 4; minus strand). Cytogenetic location: 15q24.1.
Variant type: single nucleotide variant.
Coding change: c.53A>C on transcript NM_005477.3 (MANE Select); coding-DNA position 53, A replaced by C.
Protein change: p.Gln18Pro; replaces glutamine 18 with proline.
Molecular consequence: missense variant.
Genome position (GRCh38, 1-based): chr15:73,368,218, T>G on the plus strand (A>C on the coding strand, the complement: HCN4 is on the minus strand). VCF-style: chr15-73368218-T-G. GRCh37 (hg19) VCF-style: chr15-73660559-T-G.
Other names: short protein forms Q18P.
Identifiers: ClinVar variation 2264834 (VCV002264834.4), dbSNP rs2549080743, ClinGen allele CA393099182.